The following is an entry in ClinVar:

NM_018972.4(GDAP1):c.477G>T (p.Arg159Ser)

Gene: GDAP1 (ganglioside induced differentiation associated protein 1; plus strand). Cytogenetic location: 8q21.11.
Variant type: single nucleotide variant.
Coding change: c.477G>T on transcript NM_018972.4 (MANE Select); coding-DNA position 477, G replaced by T.
Protein change: p.Arg159Ser; replaces arginine 159 with serine.
Molecular consequence: missense variant. On other transcripts: intron variant (1).
Genome position (GRCh38, 1-based): chr8:74,360,303, G>T. VCF-style: chr8-74360303-G-T. GRCh37 (hg19) VCF-style: chr8-75272538-G-T.
Other names: c.273G>T, p.Arg91Ser (NM_001040875.4); c.150G>T, p.Arg50Ser (NM_001362929.2, NM_001362932.2); c.477G>T, p.Arg159Ser (NM_001362931.2); c.311-1581G>T (NM_001362930.2); short protein forms R91S, R159S, R50S.
Identifiers: ClinVar variation 2920532 (VCV002920532.3), dbSNP rs962999495, ClinGen allele CA179735054.

ClinVar aggregate classification (germline): Uncertain significance (1 of 4 stars; one submission).

Conditions:
Charcot-Marie-Tooth disease type 4A. Also called: Charcot-Marie-Tooth disease, demyelinating, autosomal recessive, type 4a. Identifiers: Orphanet 99948, MedGen C1859198, MONDO:0008961, OMIM 214400.

Submission:

Labcorp Genetics (formerly Invitae), Labcorp
Classification: Uncertain significance for Charcot-Marie-Tooth disease type 4A. Last evaluated: 2023-11-07. Review status: criteria provided, single submitter. Criteria: Invitae Variant Classification Sherloc (09022015). Collection method: clinical testing. Allele origin: germline.
Comment: This sequence change replaces arginine, which is basic and polar, with serine, which is neutral and polar, at codon 159 of the GDAP1 protein (p.Arg159Ser). This variant is present in population databases (no rsID available, gnomAD 0.0009%). This variant has not been reported in the literature in individuals affected with GDAP1-related conditions. An algorithm developed to predict the effect of missense changes on protein structure and function (PolyPhen-2) suggests that this variant is likely to be tolerated. In summary, the available evidence is currently insufficient to determine the role of this variant in disease. Therefore, it has been classified as a Variant of Uncertain Significance.